The following is an entry in ClinVar:

NM_152305.3(POGLUT1):c.183_192del (p.Ile61_Glu62insTer)

Gene: POGLUT1 (protein O-glucosyltransferase 1; plus strand). Cytogenetic location: 3q13.33.
Variant type: Deletion.
Coding change: c.183_192del on transcript NM_152305.3 (MANE Select); coding-DNA positions 183 to 192, 10 bases deleted (AGAAGAGGAT; older notation c.183_192delAGAAGAGGAT).
Protein change: p.Ile61_Glu62insTer.
Molecular consequence: frameshift variant. On other transcripts: nonsense (1), non-coding transcript variant (1).
Genome position (GRCh38, 1-based): chr3:119,471,315-119,471,324, AGAAGAGGAT deleted; deleting any 10 consecutive bases within chr3:119,471,313-119,471,324 gives the same sequence; the c. name uses the placement nearest the transcript's 3' end. VCF-style (leftmost placement, unchanged base first): chr3-119471312-CATAGAAGAGG-C. GRCh37 (hg19) VCF-style: chr3-119190159-CATAGAAGAGG-C.
Other names: c.183_192delAGAAGAGGAT, p.Glu62Terfs (NM_020231.3).
Identifiers: ClinVar variation 2052612 (VCV002052612.4), dbSNP rs1175589172, ClinGen allele CA897790769.
Genomic context (GRCh38, chr3:119,471,312, plus strand): 5'-GTGGAATGGCACCACTCTCTTGGCCTGCTTTCCTTGATGACTCCCATTCTTTCCCAGTGT[CATAGAAGAGG>C]ATCTAACTCCTTTCCGAGGAGGCATCTCCAGGAAGATGATGGCAGAGGTAGTCAGACGGA-3'

ClinVar aggregate classification (germline): Pathogenic (1 of 4 stars; one submission).

Submission:

Labcorp Genetics (formerly Invitae), Labcorp
Classification: Pathogenic. Last evaluated: 2023-08-04. Review status: criteria provided, single submitter. Criteria: Invitae Variant Classification Sherloc (09022015). Collection method: clinical testing. Allele origin: germline.
Comment: This sequence change creates a premature translational stop signal (p.Glu62*) in the POGLUT1 gene. It is expected to result in an absent or disrupted protein product. Loss-of-function variants in POGLUT1 are known to be pathogenic (PMID: 24387993). This variant is not present in population databases (gnomAD no frequency). This variant has not been reported in the literature in individuals affected with POGLUT1-related conditions. ClinVar contains an entry for this variant (Variation ID: 2052612). Algorithms developed to predict the effect of sequence changes on RNA splicing suggest that this variant may disrupt the consensus splice site. For these reasons, this variant has been classified as Pathogenic.

Literature cited by the submitters: PubMed 24387993.